The following is an entry in ClinVar:

NM_000350.3(ABCA4):c.3016G>C (p.Gly1006Arg)

Gene: ABCA4 (ATP binding cassette subfamily A member 4; minus strand). Cytogenetic location: 1p22.1.
Variant type: single nucleotide variant.
Coding change: c.3016G>C on transcript NM_000350.3 (MANE Select); coding-DNA position 3016, G replaced by C.
Protein change: p.Gly1006Arg; replaces glycine 1006 with arginine.
Molecular consequence: missense variant.
Genome position (GRCh38, 1-based): chr1:94,044,647, C>G on the plus strand (G>C on the coding strand, the complement: ABCA4 is on the minus strand). VCF-style: chr1-94044647-C-G. GRCh37 (hg19) VCF-style: chr1-94510203-C-G.
Other names: c.2794G>C, p.Gly932Arg (NM_001425324.1); short protein forms G1006R, G932R.
Identifiers: ClinVar variation 998702 (VCV000998702.11), dbSNP rs1660620409, ClinGen allele CA341275089.
Genomic context (GRCh38, chr1:94,044,647, plus strand): 5'-GCGGTCTCAGTTCCTGTGTCGCTTACTGGTGGAACAGGATGTTGTGCTGTGGACACATGC[C>G]AAGGCTCTGCCGGACTGCATCCAGGCTGGTTTCAATGTCCCTTCCCCCAACGAGCACAGT-3'
Protein context (NP_000341.2, residues 996-1016): TSLDAVRQSL[Gly1006Arg]MCPQHNILFH

ClinVar aggregate classification (germline): Conflicting classifications of pathogenicity. Review status: criteria provided, conflicting classifications (1 of 4 stars). 3 submissions from 3 submitters: Likely pathogenic (1); Uncertain significance (2). Last evaluated 2026-04-15.

Conditions:
Severe early-childhood-onset retinal dystrophy (STGD1). Also called: STGD; Stargardt macular dystrophy; Juvenile onset macular degeneration; Stargardt disease 1; MACULAR DYSTROPHY WITH FLECKS, TYPE 1. Identifiers: Orphanet 364055, Orphanet 827, MedGen C1855465, MeSH D000080362, MONDO:0009549, OMIM 248200.

Submissions (3):

Women's Health and Genetics/Laboratory Corporation of America, LabCorp
Classification: Uncertain significance. Last evaluated: 2026-04-15. Review status: criteria provided, single submitter. Criteria: LabCorp Variant Classification Summary - May 2015. Collection method: clinical testing. Allele origin: germline.
Comment: Variant summary: ABCA4 c.3016G>C (p.Gly1006Arg) results in a non-conservative amino acid change in the encoded protein sequence. Algorithms developed to predict the effect of missense changes on protein structure and function all suggest that this variant is likely to be disruptive. The variant was absent in 251482 control chromosomes. The available data on variant occurrences in the general population are insufficient to allow any conclusion about variant significance. c.3016G>C has been observed in an study on Mendelian Disease Analysis without clinical information (Zampaglione_2022). These report(s) do not provide unequivocal conclusions about association of the variant with Retinitis Pigmentosa. To our knowledge, no experimental evidence demonstrating an impact on protein function has been reported. The following publication have been ascertained in the context of this evaluation (PMID: 34906470). ClinVar contains an entry for this variant (Variation ID: 998702). Based on the evidence outlined above, the variant was classified as uncertain significance.

Labcorp Genetics (formerly Invitae), Labcorp
Classification: Uncertain significance. Last evaluated: 2022-01-15. Review status: criteria provided, single submitter. Criteria: Invitae Variant Classification Sherloc (09022015). Collection method: clinical testing. Allele origin: germline.
Comment: This sequence change replaces glycine, which is neutral and non-polar, with arginine, which is basic and polar, at codon 1006 of the ABCA4 protein (p.Gly1006Arg). This variant is not present in population databases (gnomAD no frequency). In summary, the available evidence is currently insufficient to determine the role of this variant in disease. Therefore, it has been classified as a Variant of Uncertain Significance. Advanced modeling of protein sequence and biophysical properties (such as structural, functional, and spatial information, amino acid conservation, physicochemical variation, residue mobility, and thermodynamic stability) performed at Invitae indicates that this missense variant is expected to disrupt ABCA4 protein function. ClinVar contains an entry for this variant (Variation ID: 998702). This variant has not been reported in the literature in individuals affected with ABCA4-related conditions.

Ocular Genomics Institute, Massachusetts Eye and Ear
Classification: Likely pathogenic for Severe early-childhood-onset retinal dystrophy. Last evaluated: 2021-04-08. Review status: criteria provided, single submitter. Criteria: ACMG Guidelines, 2015. Collection method: research. Allele origin: germline. Affected: yes.
Comment: Through a review of available evidence we were able to apply the following criteria: PM2, PP3, PM1, PM3-P. Based on this evidence we have classified this variant as Likely Pathogenic.

Literature cited by the submitters: PubMed 34906470 (cited by Women's Health and Genetics/Laboratory Corporation of America, LabCorp).